The following is an entry in ClinVar:

ClinVar aggregate classification (germline): Uncertain significance (1 of 4 stars; one submission).

Conditions:
Brugada syndrome 5 (BRGDA5). Identifiers: Orphanet 130, Orphanet 871, MedGen C2748541, MONDO:0013015, OMIM 612838.

Allele frequency attached by ClinVar (database versions not stated): gnomAD 0.00001; TOPMed 0.00001.
gnomAD v4.1: 1 of 1,614,072 alleles (0.000062%); highest among the groups gnomAD compares: Non-Finnish European, 0.000085%; no homozygotes.

Submission:

Labcorp Genetics (formerly Invitae), Labcorp
Classification: Uncertain significance for Brugada syndrome 5. Last evaluated: 2023-10-10. Review status: criteria provided, single submitter. Criteria: Invitae Variant Classification Sherloc (09022015). Collection method: clinical testing. Allele origin: germline.
Comment: This sequence change replaces glycine, which is neutral and non-polar, with aspartic acid, which is acidic and polar, at codon 117 of the SCN1B protein (p.Gly117Asp). This variant is not present in population databases (gnomAD no frequency). This missense change has been observed in individual(s) with epilepsy with febrile seizures+ (PMID: 28726809). ClinVar contains an entry for this variant (Variation ID: 568700). An algorithm developed to predict the effect of missense changes on protein structure and function (PolyPhen-2) suggests that this variant is likely to be disruptive. In summary, the available evidence is currently insufficient to determine the role of this variant in disease. Therefore, it has been classified as a Variant of Uncertain Significance.

Literature cited by the submitters: PubMed 28726809.

NM_001037.5(SCN1B):c.350G>A (p.Gly117Asp)

Gene: SCN1B (sodium voltage-gated channel beta subunit 1; plus strand). Cytogenetic location: 19q13.11.
Variant type: single nucleotide variant.
Coding change: c.350G>A on transcript NM_001037.5 (MANE Select); coding-DNA position 350, G replaced by A.
Protein change: p.Gly117Asp; replaces glycine 117 with aspartic acid.
Molecular consequence: missense variant.
Genome position (GRCh38, 1-based): chr19:35,033,641, G>A. VCF-style: chr19-35033641-G-A. GRCh37 (hg19) VCF-style: chr19-35524545-G-A.
Other names: c.251G>A, p.Gly84Asp (NM_001321605.2); c.350G>A, p.Gly117Asp (NM_199037.5); short protein forms G117D, G84D.
Identifiers: ClinVar variation 568700 (VCV000568700.6), dbSNP rs1313744180, ClinGen allele CA405328841.
Genomic context (GRCh38, chr19:35,033,641, plus strand): 5'-GCACCAAAGACCTGCAGGATCTGTCTATCTTCATCACCAATGTCACCTACAACCACTCGG[G>A]CGACTACGAGTGCCACGTCTACCGCCTGCTCTTCTTCGAAAACTACGAGCACAACACCAG-3'
Protein context (NP_001028.1, residues 107-127): FITNVTYNHS[Gly117Asp]DYECHVYRLL